The following is an entry in ClinVar:

NM_000540.3(RYR1):c.10263G>A (p.Ala3421=)

Gene: RYR1 (ryanodine receptor 1; plus strand). Cytogenetic location: 19q13.2.
Variant type: single nucleotide variant.
Coding change: c.10263G>A on transcript NM_000540.3 (MANE Select); coding-DNA position 10263, G replaced by A.
Protein change: p.Ala3421=; no amino-acid change (alanine 3421 retained).
Molecular consequence: synonymous variant.
Genome position (GRCh38, 1-based): chr19:38,523,031, G>A. VCF-style: chr19-38523031-G-A. GRCh37 (hg19) VCF-style: chr19-39013671-G-A.
Other names: c.10263G>A, p.Ala3421= (NM_001042723.2).
Identifiers: ClinVar variation 329098 (VCV000329098.16), dbSNP rs778171066, ClinGen allele CA052950.

ClinVar aggregate classification (germline): Conflicting classifications of pathogenicity. Review status: criteria provided, conflicting classifications (1 of 4 stars). 4 submissions from 3 submitters: Uncertain significance (2); Likely benign (2). Last evaluated 2024-09-23.

Conditions:
RYR1-related disorder. Also called: RYR1-related condition; RYR1-related disorders. Identifiers: MedGen CN239331.
Malignant hyperthermia, susceptibility to, 1 (MHS1). Also called: Anesthesia related hyperthermia; Malignant hyperpyrexia; Fulminating hyperpyrexia; Pharmacogenic myopathy; RYR1-Related Malignant Hyperthermia Susceptibility; Malignant hyperthermia suceptibility 1. Identifiers: Orphanet 423, MedGen C2930980, MONDO:0007783, OMIM 145600.
Congenital multicore myopathy with external ophthalmoplegia (CMYO1B). Also called: MULTICORE MYOPATHY; Minicore myopathy with external ophthalmoplegia; Congenital myopathy 1B, autosomal recessive; Minicore myopathy; MULTIMINICORE DISEASE WITH EXTERNAL OPHTHALMOPLEGIA. Identifiers: Orphanet 598, Orphanet 98905, MedGen C1850674, MONDO:0009712, OMIM 255320, HP:0003789.

Allele frequency attached by ClinVar (database versions not stated): TOPMed 0.00001.
gnomAD v4.1: 50 of 1,593,720 alleles (0.0031%); highest among the groups gnomAD compares: South Asian, 0.029%; no homozygotes.

Submissions (4):

All of Us Research Program, National Institutes of Health
Classification: Likely benign for Malignant hyperthermia, susceptibility to, 1. Last evaluated: 2024-09-23. Review status: criteria provided, single submitter. Criteria: ACMG Guidelines, 2015. Collection method: clinical testing. Allele origin: germline. Inheritance: Autosomal dominant inheritance. Observed: 5 variant alleles, 5 heterozygotes.
Comment: This study involves interpretation of variants in research participants for the purpose of population health screening. Participant phenotype was not available at the time of variant classification. Additional details can be found in publication PMID: 35346344, PMCID: PMC8962531

Labcorp Genetics (formerly Invitae), Labcorp
Classification: Likely benign for RYR1-related disorder. Last evaluated: 2024-08-26. Review status: criteria provided, single submitter. Criteria: Invitae Variant Classification Sherloc (09022015). Collection method: clinical testing. Allele origin: germline.

Illumina Laboratory Services, Illumina
Classification: Uncertain significance for Congenital multicore myopathy with external ophthalmoplegia. Last evaluated: 2018-01-13. Review status: criteria provided, single submitter. Criteria: ICSL Variant Classification Criteria 13 December 2019. Collection method: clinical testing. Allele origin: germline.

Illumina Laboratory Services, Illumina
Classification: Uncertain significance for Malignant hyperthermia, susceptibility to, 1. Last evaluated: 2018-01-13. Review status: criteria provided, single submitter. Criteria: ICSL Variant Classification Criteria 13 December 2019. Collection method: clinical testing. Allele origin: germline.